The following is an entry in ClinVar:

NM_057175.5(NAA15):c.2426T>C (p.Leu809Ser)

Gene: NAA15 (N-alpha-acetyltransferase 15, NatA auxiliary subunit; plus strand). Cytogenetic location: 4q31.1.
Variant type: single nucleotide variant.
Coding change: c.2426T>C on transcript NM_057175.5 (MANE Select); coding-DNA position 2426, T replaced by C.
Protein change: p.Leu809Ser; replaces leucine 809 with serine.
Molecular consequence: missense variant.
Genome position (GRCh38, 1-based): chr4:139,387,909, T>C. VCF-style: chr4-139387909-T-C. GRCh37 (hg19) VCF-style: chr4-140309063-T-C.
Other names: c.2423T>C, p.Leu808Ser (NM_001410842.1); short protein forms L808S, L809S.
Identifiers: ClinVar variation 3365239 (VCV003365239.2).

ClinVar aggregate classification (germline): Uncertain significance (1 of 4 stars; one submission).

Submission:

GeneDx
Classification: Uncertain significance. Last evaluated: 2024-10-21. Review status: criteria provided, single submitter. Criteria: GeneDx Variant Classification Process June 2021. Collection method: clinical testing. Allele origin: germline.
Comment: Not observed at significant frequency in large population cohorts (gnomAD); In silico analysis supports that this missense variant has a deleterious effect on protein structure/function; Has not been previously published as pathogenic or benign to our knowledge